The following is an entry in ClinVar:

NM_000535.7(PMS2):c.445T>A (p.Tyr149Asn)

Gene: PMS2 (PMS1 homolog 2, mismatch repair system component; minus strand). Cytogenetic location: 7p22.1.
Variant type: single nucleotide variant.
Coding change: c.445T>A on transcript NM_000535.7 (MANE Select); coding-DNA position 445, T replaced by A.
Protein change: p.Tyr149Asn; replaces tyrosine 149 with asparagine.
Molecular consequence: missense variant. On other transcripts: 5 prime UTR variant (2), non-coding transcript variant (1).
Genome position (GRCh38, 1-based): chr7:6,002,545, A>T on the plus strand (T>A on the coding strand, the complement: PMS2 is on the minus strand). VCF-style: chr7-6002545-A-T. GRCh37 (hg19) VCF-style: chr7-6042176-A-T.
Other names: c.40T>A, p.Tyr14Asn (NM_001322003.2, NM_001322004.2, NM_001322005.2 and 3 more transcripts); c.445T>A, p.Tyr149Asn (NM_001322006.2, NM_001322014.2); c.127T>A, p.Tyr43Asn (NM_001322007.2, NM_001322008.2); c.-440T>A (NM_001322011.2, NM_001322012.2); c.136T>A, p.Tyr46Asn (NM_001322015.2); short protein forms Y149N, Y14N, Y46N, Y43N.
Identifiers: ClinVar variation 525667 (VCV000525667.19), dbSNP rs890029950, ClinGen allele CA153245216.

ClinVar aggregate classification (germline): Conflicting classifications of pathogenicity. Review status: criteria provided, conflicting classifications (1 of 4 stars). 4 submissions from 4 submitters: Uncertain significance (3); Likely benign (1). Last evaluated 2025-09-02.

Conditions:
Hereditary nonpolyposis colorectal neoplasms. Identifiers: MedGen C0009405, MeSH D003123.
Hereditary cancer-predisposing syndrome. Also called: Neoplastic Syndromes, Hereditary; Tumor predisposition; Hereditary Cancer Syndrome; Hereditary neoplastic syndrome. Identifiers: Orphanet 140162, MedGen C0027672, MeSH D009386, MONDO:0015356.
Lynch syndrome. Identifiers: Orphanet 144, MedGen C4552100, MONDO:0005835. Disease mechanism: loss of function.

Allele frequency attached by ClinVar (database versions not stated): TOPMed 0.00001.

Submissions (4):

Labcorp Genetics (formerly Invitae), Labcorp
Classification: Likely benign for Hereditary nonpolyposis colorectal neoplasms. Last evaluated: 2025-09-02. Review status: criteria provided, single submitter. Criteria: Invitae Variant Classification Sherloc (09022015). Collection method: clinical testing. Allele origin: germline.

Ambry Genetics
Classification: Uncertain significance for Hereditary cancer-predisposing syndrome. Last evaluated: 2025-03-02. Review status: criteria provided, single submitter. Criteria: Ambry Variant Classification Scheme 2023. Collection method: clinical testing. Allele origin: germline.
Comment: The p.Y149N variant (also known as c.445T>A), located in coding exon 5 of the PMS2 gene, results from a T to A substitution at nucleotide position 445. The tyrosine at codon 149 is replaced by asparagine, an amino acid with dissimilar properties. This amino acid position is poorly conserved in available vertebrate species. In addition, this alteration is predicted to be tolerated by in silico analysis. Since supporting evidence is limited at this time, the clinical significance of this alteration remains unclear.

All of Us Research Program, National Institutes of Health
Classification: Uncertain significance for Lynch syndrome. Last evaluated: 2024-07-29. Review status: criteria provided, single submitter. Criteria: ACMG Guidelines, 2015. Collection method: clinical testing. Allele origin: germline. Inheritance: Autosomal dominant inheritance. Observed: 1 variant allele, 1 heterozygote.
Comment: This study involves interpretation of variants in research participants for the purpose of population health screening. Participant phenotype was not available at the time of variant classification. Additional details can be found in publication PMID: 35346344, PMCID: PMC8962531

Color Diagnostics, LLC DBA Color Health
Classification: Uncertain significance for Hereditary cancer-predisposing syndrome. Last evaluated: 2023-12-04. Review status: criteria provided, single submitter. Criteria: ACMG Guidelines, 2015. Collection method: clinical testing. Allele origin: germline.
Comment: This missense variant replaces tyrosine with asparagine at codon 149 of the PMS2 protein. Computational prediction suggests that this variant may not impact protein structure and function (internally defined REVEL score threshold <= 0.5, PMID: 27666373). To our knowledge, functional studies have not been reported for this variant. This variant has not been reported in individuals affected with PMS2-related disorders in the literature. This variant has not been identified in the general population by the Genome Aggregation Database (gnomAD). The available evidence is insufficient to determine the role of this variant in disease conclusively. Therefore, this variant is classified as a Variant of Uncertain Significance.